The following is an entry in ClinVar:

ClinVar aggregate classification (germline): Uncertain significance (1 of 4 stars; one submission).

gnomAD v4.1: 2 of 1,560,064 alleles (0.00013%); highest among the groups gnomAD compares: Admixed American, 0.0019%; no homozygotes.

Submission:

Labcorp Genetics (formerly Invitae), Labcorp
Classification: Uncertain significance. Last evaluated: 2022-07-18. Review status: criteria provided, single submitter. Criteria: Invitae Variant Classification Sherloc (09022015). Collection method: clinical testing. Allele origin: germline.
Comment: In summary, the available evidence is currently insufficient to determine the role of this variant in disease. Therefore, it has been classified as a Variant of Uncertain Significance. Algorithms developed to predict the effect of missense changes on protein structure and function (SIFT, PolyPhen-2, Align-GVGD) all suggest that this variant is likely to be tolerated. This variant has not been reported in the literature in individuals affected with ABCC6-related conditions. The frequency data for this variant in the population databases is considered unreliable, as metrics indicate poor data quality at this position in the gnomAD database. This sequence change replaces arginine, which is basic and polar, with serine, which is neutral and polar, at codon 940 of the ABCC6 protein (p.Arg940Ser).

NM_001171.6(ABCC6):c.2818C>A (p.Arg940Ser)

Gene: ABCC6 (ATP binding cassette subfamily C member 6; minus strand). Cytogenetic location: 16p13.11.
Variant type: single nucleotide variant.
Coding change: c.2818C>A on transcript NM_001171.6 (MANE Select); coding-DNA position 2818, C replaced by A.
Protein change: p.Arg940Ser; replaces arginine 940 with serine.
Molecular consequence: missense variant. On other transcripts: non-coding transcript variant (1).
Genome position (GRCh38, 1-based): chr16:16,169,823, G>T on the plus strand (C>A on the coding strand, the complement: ABCC6 is on the minus strand). VCF-style: chr16-16169823-G-T. GRCh37 (hg19) VCF-style: chr16-16263680-G-T.
Other names: c.2476C>A, p.Arg826Ser (NM_001351800.1); short protein forms R826S, R940S.
Identifiers: ClinVar variation 1913867 (VCV001913867.4), dbSNP rs1342646819, ClinGen allele CA394885007.
Genomic context (GRCh38, chr16:16,169,823, plus strand): 5'-CCACTTGCTGGCAGAGGAAGAGGAAGAGTGCGTAGAGGCAGAGGGGGGTGCCCACGGCAC[G>T]CAGGTAGGCCAGGTGCACTGTGGCCTTCACCTGTAGCACACATGAGGGAGAGGGAGGCAG-3'
Protein context (NP_001162.5, residues 930-950): VKATVHLAYL[Arg940Ser]AVGTPLCLYA